The following is an entry in ClinVar:

ClinVar aggregate classification (germline): Uncertain significance. Review status: criteria provided, multiple submitters, no conflicts (2 of 4 stars). 2 submissions from 2 submitters: Uncertain significance (2). Last evaluated 2025-06-03.

Conditions:
Cardiomyopathy (CMYO). Also called: Cardiomyopathies. Identifiers: Orphanet 167848, MedGen C0878544, MONDO:0004994, HP:0001638. Inheritance: Various modes of inheritance.
Catecholaminergic polymorphic ventricular tachycardia 1. Also called: VENTRICULAR TACHYCARDIA, CATECHOLAMINERGIC POLYMORPHIC, 1, WITH OR WITHOUT ATRIAL DYSFUNCTION AND/OR DILATED CARDIOMYOPATHY; RYR2-Related Catecholaminergic Polymorphic Ventricular Tachycardia; VENTRICULAR TACHYCARDIA, STRESS-INDUCED POLYMORPHIC 1. Identifiers: Orphanet 3286, MedGen C1631597, MONDO:0011484, OMIM 604772.

Allele frequency attached by ClinVar (database versions not stated): TOPMed below 0.00001.

Submissions (2):

Color Diagnostics, LLC DBA Color Health
Classification: Uncertain significance for Cardiomyopathy. Last evaluated: 2025-06-03. Review status: criteria provided, single submitter. Criteria: ACMG Guidelines, 2015. Collection method: clinical testing. Allele origin: germline.
Comment: This missense variant replaces glutamine with histidine at codon 2278 of the RYR2 protein. Computational prediction suggests that this variant may not impact protein structure and function. To our knowledge, functional studies have not been reported for this variant. This variant has not been reported in individuals affected with RYR2-related disorders in the literature. This variant has not been identified in the general population by the Genome Aggregation Database (gnomAD). The available evidence is insufficient to determine the role of this variant in disease conclusively. Therefore, this variant is classified as a Variant of Uncertain Significance.

Labcorp Genetics (formerly Invitae), Labcorp
Classification: Uncertain significance for Catecholaminergic polymorphic ventricular tachycardia 1. Last evaluated: 2021-12-23. Review status: criteria provided, single submitter. Criteria: Invitae Variant Classification Sherloc (09022015). Collection method: clinical testing. Allele origin: germline.
Comment: In summary, the available evidence is currently insufficient to determine the role of this variant in disease. Therefore, it has been classified as a Variant of Uncertain Significance. Advanced modeling of protein sequence and biophysical properties (such as structural, functional, and spatial information, amino acid conservation, physicochemical variation, residue mobility, and thermodynamic stability) performed at Invitae indicates that this missense variant is not expected to disrupt RYR2 protein function. ClinVar contains an entry for this variant (Variation ID: 838721). This variant has not been reported in the literature in individuals affected with RYR2-related conditions. This variant is not present in population databases (gnomAD no frequency). This sequence change replaces glutamine, which is neutral and polar, with histidine, which is basic and polar, at codon 2278 of the RYR2 protein (p.Gln2278His).

NM_001035.3(RYR2):c.6834G>C (p.Gln2278His)

Gene: RYR2 (ryanodine receptor 2; plus strand). Cytogenetic location: 1q43.
Variant type: single nucleotide variant.
Coding change: c.6834G>C on transcript NM_001035.3 (MANE Select); coding-DNA position 6834, G replaced by C.
Protein change: p.Gln2278His; replaces glutamine 2278 with histidine.
Molecular consequence: missense variant.
Genome position (GRCh38, 1-based): chr1:237,638,398, G>C. VCF-style: chr1-237638398-G-C. GRCh37 (hg19) VCF-style: chr1-237801698-G-C.
Other names: short protein forms Q2278H.
Identifiers: ClinVar variation 838721 (VCV000838721.8), dbSNP rs1269962708, ClinGen allele CA345395504.